The following is an entry in ClinVar:

ClinVar aggregate classification (germline): Uncertain significance. Review status: criteria provided, multiple submitters, no conflicts (2 of 4 stars). 2 submissions from 2 submitters: Uncertain significance (2). Last evaluated 2022-09-08.

Conditions:
Episodic ataxia type 2 (EA2). Also called: ACETAZOLAMIDE-RESPONSIVE HEREDITARY PAROXYSMAL CEREBELLAR ATAXIA; EPISODIC ATAXIA, NYSTAGMUS-ASSOCIATED; ATAXIA, EPISODIC, WITH NYSTAGMUS; ATAXIA, FAMILIAL PAROXYSMAL; CEREBELLAR ATAXIA, PAROXYSMAL, ACETAZOLAMIDE-RESPONSIVE; CEREBELLOPATHY, HEREDITARY PAROXYSMAL. Identifiers: Orphanet 97, MedGen C1720416, MONDO:0007163, OMIM 108500.
Developmental and epileptic encephalopathy, 42 (DEE42A). Also called: DEVELOPMENTAL AND EPILEPTIC ENCEPHALOPATHY 42A; EPILEPTIC ENCEPHALOPATHY, EARLY INFANTILE, 42A; Epileptic encephalopathy, early infantile, 42. Identifiers: MedGen C4310716, MONDO:0014917, OMIM 617106.

Allele frequency attached by ClinVar (database versions not stated): gnomAD 0.00001; gnomAD exomes 0.00002 and 0.00003; TOPMed 0.00002; ExAC 0.00015.
gnomAD v4.1: 11 of 1,402,818 alleles (0.00078%); highest among the groups gnomAD compares: Non-Finnish European, 0.001%; no homozygotes.

Submissions (2):

GeneDx
Classification: Uncertain significance. Last evaluated: 2022-09-08. Review status: criteria provided, single submitter. Criteria: GeneDx Variant Classification Process June 2021. Collection method: clinical testing. Allele origin: germline. Affected: yes.
Comment: In silico analysis supports that this missense variant does not alter protein structure/function; Has not been previously published as pathogenic or benign to our knowledge

Labcorp Genetics (formerly Invitae), Labcorp
Classification: Uncertain significance for Developmental and epileptic encephalopathy, 42; Episodic ataxia type 2. Last evaluated: 2021-12-23. Review status: criteria provided, single submitter. Criteria: Invitae Variant Classification Sherloc (09022015). Collection method: clinical testing. Allele origin: germline.
Comment: This variant is present in population databases (rs780779363, gnomAD 0.009%). This variant has not been reported in the literature in individuals affected with CACNA1A-related conditions. Advanced modeling of protein sequence and biophysical properties (such as structural, functional, and spatial information, amino acid conservation, physicochemical variation, residue mobility, and thermodynamic stability) performed at Invitae indicates that this missense variant is not expected to disrupt CACNA1A protein function. In summary, the available evidence is currently insufficient to determine the role of this variant in disease. Therefore, it has been classified as a Variant of Uncertain Significance. This sequence change replaces asparagine, which is neutral and polar, with lysine, which is basic and polar, at codon 2149 of the CACNA1A protein (p.Asn2149Lys).

NM_001127222.2(CACNA1A):c.6444C>A (p.Asn2148Lys)

Gene: CACNA1A (calcium voltage-gated channel subunit alpha1 A; minus strand). Cytogenetic location: 19p13.13.
Variant type: single nucleotide variant.
Coding change: c.6444C>A on transcript NM_001127222.2 (MANE Select); coding-DNA position 6444, C replaced by A.
Protein change: p.Asn2148Lys; replaces asparagine 2148 with lysine.
Molecular consequence: missense variant.
Genome position (GRCh38, 1-based): chr19:13,209,394, G>T on the plus strand (C>A on the coding strand, the complement: CACNA1A is on the minus strand). VCF-style: chr19-13209394-G-T. GRCh37 (hg19) VCF-style: chr19-13320208-G-T.
Other names: c.6447C>A (NM_001127221.1); c.6462C>A, p.Asn2154Lys (NM_000068.4, NM_023035.3); c.6447C>A, p.Asn2149Lys (NM_001127221.2); c.6453C>A, p.Asn2151Lys (NM_001174080.2); short protein forms N2154K, N2148K, N2151K, N2149K.
Identifiers: ClinVar variation 1442190 (VCV001442190.6), dbSNP rs780779363, ClinGen allele CA9239364.